The following is an entry in ClinVar:

ClinVar aggregate classification (germline): Uncertain significance. Review status: criteria provided, multiple submitters, no conflicts (2 of 4 stars). 4 submissions from 4 submitters: Uncertain significance (4). Last evaluated 2025-08-19.

Conditions:
Dilated cardiomyopathy 1JJ (CMD1JJ). Identifiers: Orphanet 154, MedGen C3808935, MONDO:0014095, OMIM 615235.
Cardiovascular phenotype. Identifiers: MedGen CN230736.

Allele frequency attached by ClinVar (database versions not stated): ExAC 0.00001; gnomAD 0.00001; gnomAD exomes 0.00001 and 0.00004; TOPMed 0.00001; 1000 Genomes Project 0.00020; 1000 Genomes Project 30x 0.00031.
gnomAD v4.1: 62 of 1,614,142 alleles (0.0038%); highest among the groups gnomAD compares: Non-Finnish European, 0.0053%; no homozygotes.

Submissions (4):

Labcorp Genetics (formerly Invitae), Labcorp
Classification: Uncertain significance for Dilated cardiomyopathy 1JJ. Last evaluated: 2025-08-19. Review status: criteria provided, single submitter. Criteria: Invitae Variant Classification Sherloc (09022015). Collection method: clinical testing. Allele origin: germline.
Comment: This sequence change replaces alanine, which is neutral and non-polar, with proline, which is neutral and non-polar, at codon 836 of the LAMA4 protein (p.Ala836Pro). This variant is present in population databases (rs536755553, gnomAD 0.003%). This variant has not been reported in the literature in individuals affected with LAMA4-related conditions. ClinVar contains an entry for this variant (Variation ID: 518812). Invitae Evidence Modeling of protein sequence and biophysical properties (such as structural, functional, and spatial information, amino acid conservation, physicochemical variation, residue mobility, and thermodynamic stability) indicates that this missense variant is expected to disrupt LAMA4 protein function with a positive predictive value of 80%. In summary, the available evidence is currently insufficient to determine the role of this variant in disease. Therefore, it has been classified as a Variant of Uncertain Significance.

Ambry Genetics
Classification: Uncertain significance for Cardiovascular phenotype. Last evaluated: 2024-12-20. Review status: criteria provided, single submitter. Criteria: Ambry Variant Classification Scheme 2023. Collection method: clinical testing. Allele origin: germline.
Comment: The p.A836P variant (also known as c.2506G>C), located in coding exon 19 of the LAMA4 gene, results from a G to C substitution at nucleotide position 2506. The alanine at codon 836 is replaced by proline, an amino acid with highly similar properties. This variant was previously reported in the SNPDatabase as rs536755553. Based on data from ExAC, the C allele has an overall frequency of less than 0.01% (1/106198). This amino acid position is not well conserved in available vertebrate species. In addition, this alteration is predicted to be tolerated by in silico analysis. Since supporting evidence is limited at this time, the clinical significance of this alteration remains unclear.

GeneDx
Classification: Uncertain significance. Last evaluated: 2024-04-26. Review status: criteria provided, single submitter. Criteria: GeneDx Variant Classification Process June 2021. Collection method: clinical testing. Allele origin: germline. Affected: yes.
Comment: Not observed at significant frequency in large population cohorts (gnomAD); In silico analysis supports that this missense variant has a deleterious effect on protein structure/function; Has not been previously published as pathogenic or benign to our knowledge

Fulgent Genetics
Classification: Uncertain significance for Dilated cardiomyopathy 1JJ. Last evaluated: 2021-11-09. Review status: criteria provided, single submitter. Criteria: ACMG Guidelines, 2015. Collection method: clinical testing. Allele origin: unknown.

NM_001105206.3(LAMA4):c.2527G>C (p.Ala843Pro)

Gene: LAMA4 (laminin subunit alpha 4; minus strand). Cytogenetic location: 6q21.
Variant type: single nucleotide variant.
Coding change: c.2527G>C on transcript NM_001105206.3 (MANE Select); coding-DNA position 2527, G replaced by C.
Protein change: p.Ala843Pro; replaces alanine 843 with proline.
Molecular consequence: missense variant.
Genome position (GRCh38, 1-based): chr6:112,142,259, C>G on the plus strand (G>C on the coding strand, the complement: LAMA4 is on the minus strand). VCF-style: chr6-112142259-C-G. GRCh37 (hg19) VCF-style: chr6-112463461-C-G.
Other names: c.2506G>C, p.Ala836Pro (NM_001105207.3, NM_002290.5); c.2506G>C (LRG_433t2); short protein forms A836P, A843P.
Identifiers: ClinVar variation 518812 (VCV000518812.17), dbSNP rs536755553, ClinGen allele CA3965448.